The following is an entry in ClinVar:

ClinVar aggregate classification (germline): Uncertain significance (1 of 4 stars; one submission).

Conditions:
Mitochondrial complex II deficiency, nuclear type 1. Also called: SUCCINATE CoQ REDUCTASE DEFICIENCY. Identifiers: Orphanet 3208, MedGen C5700310, MONDO:0100294, OMIM 252011.
Pheochromocytoma/paraganglioma syndrome 5. Also called: Paragangliomas 5; SDHA-Related Hereditary Paraganglioma-Pheochromocytoma Syndrome. Identifiers: Orphanet 29072, MedGen C3279992, MONDO:0013602, OMIM 614165.

Submission:

Labcorp Genetics (formerly Invitae), Labcorp
Classification: Uncertain significance for Pheochromocytoma/paraganglioma syndrome 5; Mitochondrial complex II deficiency, nuclear type 1. Last evaluated: 2024-05-19. Review status: criteria provided, single submitter. Criteria: Invitae Variant Classification Sherloc (09022015). Collection method: clinical testing. Allele origin: germline.
Comment: This sequence change falls in intron 2 of the SDHA gene. It does not directly change the encoded amino acid sequence of the SDHA protein. RNA analysis indicates that this variant induces altered splicing and may result in an absent or disrupted protein product. This variant is not present in population databases (gnomAD no frequency). This variant has not been reported in the literature in individuals affected with SDHA-related conditions. Variants that disrupt the consensus splice site are a relatively common cause of aberrant splicing (PMID: 17576681, 9536098). Studies have shown that this variant results in intron 2 retention and intron 3 retention and introduces a premature termination codon (Invitae). The resulting mRNA is expected to undergo nonsense-mediated decay. In summary, the available evidence is currently insufficient to determine the role of this variant in disease. Therefore, it has been classified as a Variant of Uncertain Significance.

Literature cited by the submitters: PubMed 17576681; PubMed 9536098.

NM_004168.4(SDHA):c.151-3C>A

Gene: SDHA (succinate dehydrogenase complex flavoprotein subunit A; plus strand). Cytogenetic location: 5p15.33.
Variant type: single nucleotide variant.
Coding change: c.151-3C>A on transcript NM_004168.4 (MANE Select); 3 bases into the intron before coding-DNA position 151, C replaced by A.
Molecular consequence: intron variant.
Genome position (GRCh38, 1-based): chr5:224,357, C>A. VCF-style: chr5-224357-C-A. GRCh37 (hg19) VCF-style: chr5-224472-C-A.
Other names: c.151-3C>A (NM_001330758.2, NM_001294332.2).
Identifiers: ClinVar variation 3755335 (VCV003755335.2).